The following is an entry in ClinVar:

ClinVar aggregate classification (germline): Uncertain significance. Review status: criteria provided, multiple submitters, no conflicts (2 of 4 stars). 2 submissions from 2 submitters: Uncertain significance (2). Last evaluated 2023-10-13.

Allele frequency attached by ClinVar (database versions not stated): ExAC 0.00008; 1000 Genomes Project 0.00020; 1000 Genomes Project 30x 0.00031; gnomAD 0.00002.

Submissions (2):

Labcorp Genetics (formerly Invitae), Labcorp
Classification: Uncertain significance. Last evaluated: 2023-10-13. Review status: criteria provided, single submitter. Criteria: Invitae Variant Classification Sherloc (09022015). Collection method: clinical testing. Allele origin: germline.
Comment: This sequence change replaces histidine, which is basic and polar, with asparagine, which is neutral and polar, at codon 388 of the LOXL3 protein (p.His388Asn). This variant is present in population databases (rs553574295, gnomAD 0.1%). This variant has not been reported in the literature in individuals affected with LOXL3-related conditions. ClinVar contains an entry for this variant (Variation ID: 1923016). An algorithm developed to predict the effect of missense changes on protein structure and function (PolyPhen-2) suggests that this variant¬†is likely to be tolerated. In summary, the available evidence is currently insufficient to determine the role of this variant in disease. Therefore, it has been classified as a Variant of Uncertain Significance.

Ambry Genetics
Classification: Uncertain significance. Last evaluated: 2023-02-27. Review status: criteria provided, single submitter. Criteria: Ambry Variant Classification Scheme 2023. Collection method: clinical testing. Allele origin: germline.

NM_032603.5(LOXL3):c.1162C>A (p.His388Asn)

Gene: LOXL3 (lysyl oxidase like 3; minus strand). Cytogenetic location: 2p13.1.
Variant type: single nucleotide variant.
Coding change: c.1162C>A on transcript NM_032603.5 (MANE Select); coding-DNA position 1162, C replaced by A.
Protein change: p.His388Asn; replaces histidine 388 with asparagine.
Molecular consequence: missense variant.
Genome position (GRCh38, 1-based): chr2:74,536,082, G>T on the plus strand (C>A on the coding strand, the complement: LOXL3 is on the minus strand). VCF-style: chr2-74536082-G-T. GRCh37 (hg19) VCF-style: chr2-74763209-G-T.
Other names: c.727C>A, p.His243Asn (NM_001289164.3); c.79C>A, p.His27Asn (NM_001289165.2); c.1162C>A (NM_032603.2); short protein forms H27N, H243N, H388N.
Identifiers: ClinVar variation 1923016 (VCV001923016.6), dbSNP rs553574295, ClinGen allele CA1728964.